The following is an entry in ClinVar:

NM_000548.5(TSC2):c.2294C>A (p.Ala765Asp)

Gene: TSC2 (TSC complex subunit 2; plus strand). Cytogenetic location: 16p13.3.
Variant type: single nucleotide variant.
Coding change: c.2294C>A on transcript NM_000548.5 (MANE Select); coding-DNA position 2294, C replaced by A.
Protein change: p.Ala765Asp; replaces alanine 765 with aspartic acid.
Molecular consequence: missense variant.
Genome position (GRCh38, 1-based): chr16:2,072,922, C>A. VCF-style: chr16-2072922-C-A. GRCh37 (hg19) VCF-style: chr16-2122923-C-A.
Other names: c.2294C>A, p.Ala765Asp (NM_001077183.3, NM_001114382.3, NM_001363528.2 and 3 more transcripts); c.2183C>A, p.Ala728Asp (NM_001318827.2); c.2147C>A, p.Ala716Asp (NM_001318829.2); c.1694C>A, p.Ala565Asp (NM_001318831.2); c.2327C>A, p.Ala776Asp (NM_001318832.2); short protein forms A565D, A716D, A728D, A765D, A776D.
Identifiers: ClinVar variation 1692487 (VCV001692487.1), dbSNP rs886042145, ClinGen allele CA394276598.

ClinVar aggregate classification (germline): Uncertain significance (1 of 4 stars; one submission).

Conditions:
Hereditary cancer-predisposing syndrome. Also called: Hereditary Cancer Syndrome; Hereditary neoplastic syndrome; Neoplastic Syndromes, Hereditary; Tumor predisposition. Identifiers: Orphanet 140162, MedGen C0027672, MeSH D009386, MONDO:0015356.

Submission:

Sema4
Classification: Uncertain significance for Hereditary cancer-predisposing syndrome. Last evaluated: 2021-10-07. Review status: criteria provided, single submitter. Criteria: Sema4 Curation Guidelines. Collection method: curation. Allele origin: germline.
Comment: The TSC2 c.2294C>A (p.A765D) variant has not been reported in the literature to our knowledge. It was not observed in the large and broad cohorts of the Genome Aggregation Database. The variant has not been reported in ClinVar. In silico tools suggest the impact of the variant on protein function is deleterious, though these predictions have not been confirmed by functional studies. The evidence is insufficient to meet ACMG/AMP criteria for classifying the variant as benign or pathogenic. Thus, the clinical significance of this variant is currently uncertain.